The following is an entry in ClinVar:

ClinVar aggregate classification (germline): Uncertain significance (1 of 4 stars; one submission).

Conditions:
Joubert syndrome. Also called: CEREBELLOPARENCHYMAL DISORDER IV; JOUBERT-BOLTSHAUSER SYNDROME; Familial aplasia of the vermis. Identifiers: Orphanet 475, MedGen C5979921, MONDO:0018772.
Nephronophthisis. Also called: Juvenile Nephronophthisis. Identifiers: Orphanet 655, MedGen C0687120, MONDO:0019005, HP:0000090.
Meckel-Gruber syndrome. Also called: DYSENCEPHALIA SPLANCHNOCYSTICA; GRUBER SYNDROME; Dysencephalia splachnocystica. Identifiers: Orphanet 564, MedGen C0265215, MONDO:0018921.

Submission:

Labcorp Genetics (formerly Invitae), Labcorp
Classification: Uncertain significance for Joubert syndrome; Meckel-Gruber syndrome; Nephronophthisis. Last evaluated: 2022-04-06. Review status: criteria provided, single submitter. Criteria: Invitae Variant Classification Sherloc (09022015). Collection method: clinical testing. Allele origin: germline.
Comment: This sequence change replaces glutamine, which is neutral and polar, with glutamic acid, which is acidic and polar, at codon 558 of the CEP290 protein (p.Gln558Glu). This variant is not present in population databases (gnomAD no frequency). This variant has not been reported in the literature in individuals affected with CEP290-related conditions. Algorithms developed to predict the effect of missense changes on protein structure and function (SIFT, PolyPhen-2, Align-GVGD) all suggest that this variant is likely to be tolerated. In summary, the available evidence is currently insufficient to determine the role of this variant in disease. Therefore, it has been classified as a Variant of Uncertain Significance.

NM_025114.4(CEP290):c.1672C>G (p.Gln558Glu)

Gene: CEP290 (centrosomal protein 290; minus strand). Cytogenetic location: 12q21.32.
Variant type: single nucleotide variant.
Coding change: c.1672C>G on transcript NM_025114.4 (MANE Select); coding-DNA position 1672, C replaced by G.
Protein change: p.Gln558Glu; replaces glutamine 558 with glutamic acid.
Molecular consequence: missense variant.
Genome position (GRCh38, 1-based): chr12:88,118,522, G>C on the plus strand (C>G on the coding strand, the complement: CEP290 is on the minus strand). VCF-style: chr12-88118522-G-C. GRCh37 (hg19) VCF-style: chr12-88512299-G-C.
Other names: short protein forms Q558E.
Identifiers: ClinVar variation 2122158 (VCV002122158.1), dbSNP rs2500940744, ClinGen allele CA385978889.